The following is an entry in ClinVar:

NM_007294.4(BRCA1):c.3769GAG[1] (p.Glu1258del)

Genes: BRCA1 (BRCA1 DNA repair associated; minus strand), LOC126862571 (BRD4-independent group 4 enhancer GRCh37_chr17:41243136-41244335; plus strand). Cytogenetic location: 17q21.31.
Variant type: Microsatellite.
Coding change: c.3769GAG[1] on transcript NM_007294.4 (MANE Select); one copy of the 3-base unit GAG starting at c.3769; the reference has two copies in a row; one copy, 3 bases deleted; also written c.3772_3774del.
Protein change: p.Glu1258del; deletes glutamic acid 1258.
Molecular consequence: inframe deletion. On other transcripts: inframe indel (1), intron variant (135).
Genome position (GRCh38, 1-based): chr17:43,091,757-43,091,759, CTC deleted on the plus strand (GAG on the coding strand, the reverse complement: BRCA1 is on the minus strand); deleting any 3 consecutive bases within chr17:43,091,757-43,091,762 gives the same sequence; the position shown is the placement nearest the transcript's 3' end. VCF-style (leftmost placement, unchanged base first): chr17-43091756-TCTC-T. GRCh37 (hg19) VCF-style: chr17-41243773-TCTC-T.
Other names: c.3772_3774delGAG (NM_007294.3); c.3556GAG[1], p.Glu1187del (NM_001407571.1, NM_001407853.1, NM_001407894.1 and 9 more transcripts); c.3769GAG[1], p.Glu1258del (NM_001407581.1, NM_001407582.1, NM_001407583.1 and 30 more transcripts); c.3766GAG[1], p.Glu1257del (NM_001407587.1, NM_001407590.1, NM_001407591.1 and 22 more transcripts); c.3760GAG[1], p.Glu1255del (NM_001407646.1, NM_001407647.1); c.3646GAG[1], p.Glu1217del (NM_001407648.1, NM_001407664.1, NM_001407665.1 and 19 more transcripts); c.3643GAG[1], p.Glu1216del (NM_001407649.1, NM_001407670.1, NM_001407671.1 and 11 more transcripts); c.3691GAG[1], p.Glu1232del (NM_001407653.1, NM_001407654.1, NM_001407655.1 and 4 more transcripts); and 43 more; short protein forms E1258del, E1211del, E1090del, E1131del, E1146del, E1170del, E1217del, E1232del.
Identifiers: ClinVar variation 371791 (VCV000371791.25), dbSNP rs1057517536, ClinGen allele CA16042165.
Genomic context (GRCh38, chr17:43,091,756, plus strand): 5'-CCTTTGCCAATATTACCTGGTTACTGCAGTCATTTAAGCTATTCTTCAATGATAATAAAT[TCTC>T]CTCTGTGTTCTTAGACAGACACTCGGTAGCAACGGTGCTATGCCTAGTAGACTGAGAAGG-3'

ClinVar aggregate classification (germline): Uncertain significance. Review status: criteria provided, multiple submitters, no conflicts (2 of 4 stars). 7 submissions from 7 submitters: Uncertain significance (6). 1 of the submissions does not count toward it. Last evaluated 2025-05-09.

Conditions:
Breast-ovarian cancer, familial, susceptibility to, 1 (BROVCA1). Also called: BRCA1 Hereditary Breast and Ovarian Cancer; OVARIAN CANCER, SUSCEPTIBILITY TO. Identifiers: Orphanet 145, MedGen C2676676, MONDO:0011450, OMIM 604370. Disease mechanism: loss of function.
Fanconi anemia, complementation group S (FANCS). Identifiers: MedGen C4554406, MONDO:0054748, OMIM 617883.
Hereditary cancer-predisposing syndrome. Also called: Neoplastic Syndromes, Hereditary; Hereditary neoplastic syndrome; Hereditary Cancer Syndrome; Tumor predisposition. Identifiers: Orphanet 140162, MedGen C0027672, MeSH D009386, MONDO:0015356.
Hereditary breast ovarian cancer syndrome. Also called: Hereditary breast and ovarian cancer syndrome; Breast and ovarian cancer; Hereditary breast and ovarian cancer syndrome (HBOC); Hereditary breast and/or ovarian cancer syndrome; BRCA1- and BRCA2-Associated Hereditary Breast and Ovarian Cancer; Hereditary breast and ovarian cancer. Identifiers: Orphanet 145, MedGen C0677776, MeSH D061325, MONDO:0003582. Disease mechanism: loss of function.

Submissions (7):

Ambry Genetics
Classification: Uncertain significance for Hereditary cancer-predisposing syndrome. Last evaluated: 2025-05-09. Review status: criteria provided, single submitter. Criteria: Ambry Variant Classification Scheme 2023. Collection method: clinical testing. Allele origin: germline.
Comment: The c.3772_3774delGAG variant (also known as p.E1258del) is located in coding exon 9 of the BRCA1 gene. This variant results from an in-frame GAG deletion at nucleotide positions 3772 to 3774. This results in the in-frame deletion of a glutamic acid at codon 1258. This amino acid position is not well conserved in available vertebrate species. In addition, this alteration is predicted to be neutral by in silico analysis (Choi Y et al. PLoS ONE. 2012; 7(10):e46688). Based on the available evidence, the clinical significance of this variant remains unclear.

Labcorp Genetics (formerly Invitae), Labcorp
Classification: Uncertain significance for Hereditary breast ovarian cancer syndrome. Last evaluated: 2025-05-05. Review status: criteria provided, single submitter. Criteria: Invitae Variant Classification Sherloc (09022015). Collection method: clinical testing. Allele origin: germline.
Comment: This variant, c.3772_3774del, results in the deletion of 1 amino acid(s) of the BRCA1 protein (p.Glu1258del), but otherwise preserves the integrity of the reading frame. This variant is not present in population databases (gnomAD no frequency). This variant has not been reported in the literature in individuals affected with BRCA1-related conditions. This variant has been observed to co-occur in individuals with a different variant in BRCA1 that has been determined to be pathogenic (PMID: 21520333), but the significance of this finding is unclear. Experimental studies and prediction algorithms are not available or were not evaluated, and the functional significance of this variant is currently unknown. In summary, the available evidence is currently insufficient to determine the role of this variant in disease. Therefore, it has been classified as a Variant of Uncertain Significance.

Clinical Genetics Laboratory, Skane University Hospital Lund
Classification: Uncertain significance. Last evaluated: 2024-01-22. Review status: criteria provided, single submitter. Criteria: ACMG Guidelines, 2015. Collection method: clinical testing. Allele origin: germline. Affected: yes.

Color Diagnostics, LLC DBA Color Health
Classification: Uncertain significance for Hereditary cancer-predisposing syndrome. Last evaluated: 2023-11-17. Review status: criteria provided, single submitter. Criteria: ACMG Guidelines, 2015. Collection method: clinical testing. Allele origin: germline.
Comment: This variant deletes 3 basepairs in exon 10 in the BRCA1 gene, resulting in the in-frame deletion of a single amino acid, glutamic acid, at codon 1258 in the BRCA1 protein. To our knowledge, functional studies have not been reported for this variant. This variant has not been reported in individuals affected with BRCA1-related disorders in the literature. This variant has not been identified in the general population by the Genome Aggregation Database (gnomAD). The available evidence is insufficient to determine the role of this variant in disease conclusively. Therefore, this variant is classified as a Variant of Uncertain Significance.

Laboratorio de Genetica e Diagnostico Molecular, Hospital Israelita Albert Einstein
Classification: Uncertain significance for Fanconi anemia, complementation group S. Last evaluated: 2023-01-27. Review status: criteria provided, single submitter. Criteria: ACMG Guidelines, 2015. Collection method: clinical testing. Allele origin: germline. Affected: yes.
Comment: ACMG classification criteria: PM2 moderated, PM4

Quest Diagnostics Nichols Institute San Juan Capistrano
Classification: Uncertain significance. Last evaluated: 2017-10-13. Review status: criteria provided, single submitter. Criteria: Quest Diagnostics criteria. Collection method: clinical testing. Allele origin: germline.

Counsyl
Classification: Uncertain significance for Breast-ovarian cancer, familial, susceptibility to, 1. Last evaluated: 2015-12-04. Review status: no assertion criteria provided. Collection method: clinical testing. Allele origin: unknown. Not counted in ClinVar's aggregate classification.

Literature cited by the submitters: PubMed 21520333 (cited by Labcorp Genetics (formerly Invitae), Labcorp).